The following is an entry in ClinVar:

ClinVar aggregate classification (germline): Conflicting classifications of pathogenicity. Review status: criteria provided, conflicting classifications (1 of 4 stars). 5 submissions from 4 submitters: Uncertain significance (2); Likely benign (3). Last evaluated 2026-08-01.

Conditions:
Inborn genetic diseases. Identifiers: MedGen C0950123, MeSH D030342.
Charcot-Marie-Tooth disease axonal type 2O. Also called: CHARCOT-MARIE-TOOTH NEUROPATHY, AXONAL, TYPE 2O; CHARCOT-MARIE-TOOTH DISEASE, AXONAL, AUTOSOMAL DOMINANT, TYPE 2O; Charcot-Marie-Tooth disease, axonal, type 20; Charcot-Marie-Tooth Neuropathy Type 2O. Identifiers: Orphanet 284232, MedGen C3280220, MONDO:0013644, OMIM 614228.
Autosomal dominant cerebellar ataxia. Also called: Spinocerebellar Ataxia, Dominant. Identifiers: Orphanet 99, MedGen C4087347, MONDO:0020380.

Allele frequency attached by ClinVar (database versions not stated): TOPMed 0.00006; ESP Exome Variant Server 0.00015; gnomAD exomes 0.00001 and 0.00002; gnomAD 0.00002; ExAC 0.00003.
gnomAD v4.1: 24 of 1,613,938 alleles (0.0015%); highest among the groups gnomAD compares: East Asian, 0.022%; no homozygotes.

Submissions (5):

CeGaT Center for Human Genetics Tuebingen
Classification: Likely benign. Last evaluated: 2026-08-01. Review status: criteria provided, single submitter. Criteria: CeGaT Center For Human Genetics Tuebingen Variant Classification Criteria Version 2. Collection method: clinical testing. Allele origin: germline. Affected: yes. Observed: 1 variant allele.
Comment: DYNC1H1: BP4, BP7

Labcorp Genetics (formerly Invitae), Labcorp
Classification: Likely benign for Charcot-Marie-Tooth disease axonal type 2O. Last evaluated: 2025-08-11. Review status: criteria provided, single submitter. Criteria: Invitae Variant Classification Sherloc (09022015). Collection method: clinical testing. Allele origin: germline.

Illumina Laboratory Services, Illumina
Classification: Uncertain significance for Spinocerebellar Ataxia, Dominant. Last evaluated: 2018-01-13. Review status: criteria provided, single submitter. Criteria: ICSL Variant Classification Criteria 13 December 2019. Collection method: clinical testing. Allele origin: germline.

Illumina Laboratory Services, Illumina
Classification: Uncertain significance for Charcot-Marie-Tooth disease axonal type 2O. Last evaluated: 2018-01-13. Review status: criteria provided, single submitter. Criteria: ICSL Variant Classification Criteria 13 December 2019. Collection method: clinical testing. Allele origin: germline.

Ambry Genetics
Classification: Likely benign for Inborn genetic diseases. Last evaluated: 2017-11-16. Review status: criteria provided, single submitter. Criteria: Ambry Variant Classification Scheme 2023. Collection method: clinical testing. Allele origin: germline.

NM_001376.5(DYNC1H1):c.2352C>T (p.Ser784=)

Gene: DYNC1H1 (dynein cytoplasmic 1 heavy chain 1; plus strand). Cytogenetic location: 14q32.31.
Variant type: single nucleotide variant.
Coding change: c.2352C>T on transcript NM_001376.5 (MANE Select); coding-DNA position 2352, C replaced by T.
Protein change: p.Ser784=; no amino-acid change (serine 784 retained).
Molecular consequence: synonymous variant.
Genome position (GRCh38, 1-based): chr14:101,986,577, C>T. VCF-style: chr14-101986577-C-T. GRCh37 (hg19) VCF-style: chr14-102452914-C-T.
Identifiers: ClinVar variation 883710 (VCV000883710.14), dbSNP rs149028205, ClinGen allele CA7351801.
Genomic context (GRCh38, chr14:101,986,577, plus strand): 5'-TGTGAACAAAGCCCATCAAGCAAACCAGCTTTACCCGTTTGCCATCTCACTGATCGAGAG[C>T]GTTCGTACCTATGAACGGACCTGCGAGAAGGTGGAGGAGCGGAACACCATTTCCCTTTTG-3'
Protein context (NP_001367.2, residues 774-794): LYPFAISLIE[Ser784=]VRTYERTCEK